The following is an entry in ClinVar:

NM_006329.4(FBLN5):c.1341A>G (p.Pro447=)

Gene: FBLN5 (fibulin 5; minus strand). Cytogenetic location: 14q32.12.
Variant type: single nucleotide variant.
Coding change: c.1341A>G on transcript NM_006329.4 (MANE Select); coding-DNA position 1341, A replaced by G.
Protein change: p.Pro447=; no amino-acid change (proline 447 retained).
Molecular consequence: synonymous variant. On other transcripts: 3 prime UTR variant (2).
Genome position (GRCh38, 1-based): chr14:91,870,230, T>C on the plus strand (A>G on the coding strand, the complement: FBLN5 is on the minus strand). VCF-style: chr14-91870230-T-C. GRCh37 (hg19) VCF-style: chr14-92336574-T-C.
Other names: c.1464A>G, p.Pro488= (NM_001384158.1); c.1392A>G, p.Pro464= (NM_001384159.1); c.*125A>G (NM_001384160.1, NM_001384161.1); c.1173A>G, p.Pro391= (NM_001384162.1).
Identifiers: ClinVar variation 513302 (VCV000513302.53), dbSNP rs145296787, ClinGen allele CA7312559.

ClinVar aggregate classification (germline): Likely benign. Review status: criteria provided, multiple submitters, no conflicts (2 of 4 stars). 6 submissions from 6 submitters: Likely benign (4). 2 of the submissions do not count toward it. Last evaluated 2026-01-21.

Allele frequency attached by ClinVar (database versions not stated): TOPMed 0.00028; gnomAD 0.00032; gnomAD exomes 0.00036 and 0.00046; ExAC 0.00043; ESP Exome Variant Server 0.00054.
gnomAD v4.1: 719 of 1,614,238 alleles (0.045%); highest among the groups gnomAD compares: Non-Finnish European, 0.056%; no homozygotes.

Submissions (6):

Labcorp Genetics (formerly Invitae), Labcorp
Classification: Likely benign. Last evaluated: 2026-01-21. Review status: criteria provided, single submitter. Criteria: Invitae Variant Classification Sherloc (09022015). Collection method: clinical testing. Allele origin: germline.

CeGaT Center for Human Genetics Tuebingen
Classification: Likely benign. Last evaluated: 2025-10-01. Review status: criteria provided, single submitter. Criteria: CeGaT Center For Human Genetics Tuebingen Variant Classification Criteria Version 2. Collection method: clinical testing. Allele origin: germline. Affected: yes. Observed: 4 variant alleles.
Comment: FBLN5: BP4, BP7

Blueprint Genetics
Classification: Likely benign. Last evaluated: 2024-08-23. Review status: criteria provided, single submitter. Criteria: ACMG Guidelines, 2015. Collection method: clinical testing. Allele origin: germline.

GeneDx
Classification: Likely benign. Last evaluated: 2020-12-31. Review status: criteria provided, single submitter. Criteria: GeneDx Variant Classification Process June 2021. Collection method: clinical testing. Allele origin: germline. Affected: yes.

Clinical Genetics, Academic Medical Center
Classification: Benign. Review status: no assertion criteria provided. Collection method: clinical testing. Allele origin: germline. Affected: yes. Study: VKGL Data-share Consensus. Not counted in ClinVar's aggregate classification.

Genome Diagnostics Laboratory, University Medical Center Utrecht
Classification: Likely benign. Review status: no assertion criteria provided. Collection method: clinical testing. Allele origin: germline. Affected: yes. Study: VKGL Data-share Consensus. Not counted in ClinVar's aggregate classification.